The following is an entry in ClinVar:

NM_058216.3(RAD51C):c.399dup (p.Leu134fs)

Gene: RAD51C (RAD51 paralog C; plus strand). Cytogenetic location: 17q22.
Variant type: Duplication.
Coding change: c.399dup on transcript NM_058216.3 (MANE Select); coding-DNA position 399, one base duplicated (A; older notation c.399dupA).
Protein change: p.Leu134fs; shifts the reading frame from leucine 134.
Molecular consequence: frameshift variant. On other transcripts: non-coding transcript variant (2).
Genome position (GRCh38, 1-based): chr17:58,695,184, A duplicated; the last of 2 consecutive A bases (chr17:58,695,183-58,695,184); duplicating either gives the same sequence. VCF-style (leftmost placement, unchanged base first): chr17-58695182-C-CA. GRCh37 (hg19) VCF-style: chr17-56772543-C-CA.
Other names: c.399dup, p.Leu134fs (NM_002876.4); c.399dup, p.Leu134Ilefs (NM_058217.1); short protein forms L134fs.
Identifiers: ClinVar variation 2678174 (VCV002678174.2), dbSNP rs2509276440, ClinGen allele CA2576336318.

ClinVar aggregate classification (germline): Pathogenic/Likely pathogenic. Review status: criteria provided, multiple submitters, no conflicts (2 of 4 stars). 2 submissions from 2 submitters: Pathogenic (1); Likely pathogenic (1). Last evaluated 2024-01-02.

Conditions:
Breast-ovarian cancer, familial, susceptibility to, 3. Also called: RAD51C-Related Breast/Ovarian Cancer. Identifiers: Orphanet 145, MedGen C3150659, MONDO:0013253, OMIM 613399.

Submissions (2):

Myriad Genetics, Inc.
Classification: Pathogenic for Breast-ovarian cancer, familial, susceptibility to, 3. Last evaluated: 2024-01-02. Review status: criteria provided, single submitter. Criteria: Myriad Autosomal Dominant, Autosomal Recessive and X-Linked Classification Criteria (2023). Collection method: clinical testing. Allele origin: unknown.
Comment: This variant is considered pathogenic. This variant creates a frameshift predicted to result in premature protein truncation.

Baylor Genetics
Classification: Likely pathogenic for Breast-ovarian cancer, familial, susceptibility to, 3. Last evaluated: 2022-09-01. Review status: criteria provided, single submitter. Criteria: ACMG Guidelines, 2015. Collection method: clinical testing. Allele origin: unknown.